The following is an entry in ClinVar:

NM_005902.4(SMAD3):c.864_866dup (p.Arg288_His289insGln)

Gene: SMAD3 (SMAD family member 3; plus strand). Cytogenetic location: 15q22.33.
Variant type: Duplication.
Coding change: c.864_866dup on transcript NM_005902.4 (MANE Select); coding-DNA positions 864 to 866, 3 bases duplicated (ACA; older notation c.864_866dupACA).
Protein change: p.Arg288_His289insGln.
Molecular consequence: inframe insertion. On other transcripts: inframe indel (7).
Genome position (GRCh38, 1-based): chr15:67,181,446-67,181,448, ACA duplicated. VCF-style (leftmost placement, unchanged base first): chr15-67181445-G-GACA. GRCh37 (hg19) VCF-style: chr15-67473783-G-GACA.
Other names: c.549_551dup, p.Arg183_His184insGln (NM_001145102.2, NM_001407016.1); c.732_734dup, p.Arg244_His245insGln (NM_001145103.2, NM_001407012.1); c.279_281dup, p.Arg93_His94insGln (NM_001145104.2, NM_001407017.1); c.864_866dup, p.Arg288_His289insGln (NM_001407011.1, NM_001407013.1); c.717_719dup, p.Arg239_His240insGln (NM_001407014.1); c.417_419dup, p.Arg139_His140insGln (NM_001407015.1).
Identifiers: ClinVar variation 2129946 (VCV002129946.4), dbSNP rs2505284988, ClinGen allele CA2580089890.

ClinVar aggregate classification (germline): Uncertain significance (1 of 4 stars; one submission).

Conditions:
Familial thoracic aortic aneurysm and aortic dissection (TAAD). Also called: Thoracic aortic aneurysms and dissections. Identifiers: Orphanet 91387, MedGen C4707243, MONDO:0019625.

Submission:

Labcorp Genetics (formerly Invitae), Labcorp
Classification: Uncertain significance for Familial thoracic aortic aneurysm and aortic dissection. Last evaluated: 2022-09-07. Review status: criteria provided, single submitter. Criteria: Invitae Variant Classification Sherloc (09022015). Collection method: clinical testing. Allele origin: germline.
Comment: This variant is not present in population databases (gnomAD no frequency). This variant, c.864_866dup, results in the insertion of 1 amino acid(s) of the SMAD3 protein (p.Arg288_His289insGln), but otherwise preserves the integrity of the reading frame. This variant has been observed in individual(s) with clinical features of SMAD3-related conditions (Invitae). Experimental studies and prediction algorithms are not available or were not evaluated, and the functional significance of this variant is currently unknown. In summary, the available evidence is currently insufficient to determine the role of this variant in disease. Therefore, it has been classified as a Variant of Uncertain Significance.